The following continues an entry in ClinVar:

NM_005633.4(SOS1):c.1074+5G>C

Gene: SOS1. ClinVar aggregate classification (germline): Benign. Benign (1).

Submissions 22 to 36 of 36:

Dr. Peter K. Rogan Lab, Western University
No classification provided (evidence only). Condition: Acute myeloid leukemia. Review status: no classification provided. Collection method: in vitro. Allele origin: not applicable. Functional consequence: retained intron. Not counted in ClinVar's aggregate classification.

Dr. Peter K. Rogan Lab, Western University
No classification provided (evidence only). Condition: Sarcoma. Review status: no classification provided. Collection method: in vitro. Allele origin: not applicable. Functional consequence: retained intron. Not counted in ClinVar's aggregate classification.

Dr. Peter K. Rogan Lab, Western University
No classification provided (evidence only). Condition: Thymoma. Review status: no classification provided. Collection method: in vitro. Allele origin: not applicable. Functional consequence: retained intron. Not counted in ClinVar's aggregate classification.

Dr. Peter K. Rogan Lab, Western University
No classification provided (evidence only). Condition: Ovarian serous cystadenocarcinoma. Review status: no classification provided. Collection method: in vitro. Allele origin: not applicable. Functional consequence: retained intron. Not counted in ClinVar's aggregate classification.

Dr. Peter K. Rogan Lab, Western University
No classification provided (evidence only). Condition: Ovarian serous cystadenocarcinoma. Review status: no classification provided. Collection method: in vitro. Allele origin: not applicable. Functional consequence: retained intron. Not counted in ClinVar's aggregate classification.

Dr. Peter K. Rogan Lab, Western University
No classification provided (evidence only). Condition: Ovarian serous cystadenocarcinoma. Review status: no classification provided. Collection method: in vitro. Allele origin: not applicable. Functional consequence: retained intron. Not counted in ClinVar's aggregate classification.

Dr. Peter K. Rogan Lab, Western University
No classification provided (evidence only). Condition: Gastric cancer. Review status: no classification provided. Collection method: in vitro. Allele origin: not applicable. Functional consequence: retained intron. Not counted in ClinVar's aggregate classification.

Dr. Peter K. Rogan Lab, Western University
No classification provided (evidence only). Condition: Nonpapillary renal cell carcinoma. Review status: no classification provided. Collection method: in vitro. Allele origin: not applicable. Functional consequence: retained intron. Not counted in ClinVar's aggregate classification.

Dr. Peter K. Rogan Lab, Western University
No classification provided (evidence only). Condition: Familial pancreatic carcinoma. Review status: no classification provided. Collection method: in vitro. Allele origin: not applicable. Functional consequence: retained intron. Not counted in ClinVar's aggregate classification.

Dr. Peter K. Rogan Lab, Western University
No classification provided (evidence only). Condition: Familial pancreatic carcinoma. Review status: no classification provided. Collection method: in vitro. Allele origin: not applicable. Functional consequence: retained intron. Not counted in ClinVar's aggregate classification.

Dr. Peter K. Rogan Lab, Western University
No classification provided (evidence only). Condition: Lymphoma. Review status: no classification provided. Collection method: in vitro. Allele origin: not applicable. Functional consequence: retained intron. Not counted in ClinVar's aggregate classification.

Genome Diagnostics Laboratory, Amsterdam University Medical Center
Classification: Benign. Review status: no assertion criteria provided. Collection method: clinical testing. Allele origin: germline. Affected: yes. Study: VKGL Data-share Consensus. Not counted in ClinVar's aggregate classification.

Genome Diagnostics Laboratory, University Medical Center Utrecht
Classification: Likely benign. Review status: no assertion criteria provided. Collection method: clinical testing. Allele origin: germline. Affected: yes. Study: VKGL Data-share Consensus. Not counted in ClinVar's aggregate classification.

Joint Genome Diagnostic Labs from Nijmegen and Maastricht, Radboudumc and MUMC+
Classification: Likely benign. Review status: no assertion criteria provided. Collection method: clinical testing. Allele origin: germline. Affected: yes. Study: VKGL Data-share Consensus. Not counted in ClinVar's aggregate classification.

Laboratory of Diagnostic Genome Analysis, Leiden University Medical Center (LUMC)
Classification: Likely benign. Review status: no assertion criteria provided. Collection method: clinical testing. Allele origin: germline. Affected: yes. Study: VKGL Data-share Consensus. Not counted in ClinVar's aggregate classification.

Literature cited by the submitters: PubMed 10675333 (cited by Ambry Genetics); PubMed 17143282 (cited by Ambry Genetics); PubMed 17143285 (cited by Ambry Genetics); PubMed 21041952 (cited by Ambry Genetics); PubMed 21387466 (cited by Ambry Genetics); PubMed 9030684 (cited by Ambry Genetics).